The following is an entry in ClinVar:

ClinVar aggregate classification (germline): Likely pathogenic. Review status: criteria provided, multiple submitters, no conflicts (2 of 4 stars). 3 submissions from 3 submitters: Likely pathogenic (2). 1 of the submissions does not count toward it. Last evaluated 2023-02-27.

Conditions:
Hereditary cancer-predisposing syndrome. Also called: Tumor predisposition; Hereditary neoplastic syndrome; Neoplastic Syndromes, Hereditary; Hereditary Cancer Syndrome. Identifiers: Orphanet 140162, MedGen C0027672, MeSH D009386, MONDO:0015356.
Microcephaly, normal intelligence and immunodeficiency (NBS). Also called: BERLIN BREAKAGE SYNDROME; IMMUNODEFICIENCY, MICROCEPHALY, AND CHROMOSOMAL INSTABILITY; Ataxia telangiectasia variant V1; SEEMANOVA SYNDROME II; Immunodeficiency, microcephaly with normal intelligence; Nijmegen breakage syndrome. Identifiers: Orphanet 647, MedGen C0398791, MONDO:0009623, OMIM 251260.

Allele frequency attached by ClinVar (database versions not stated): gnomAD exomes below 0.00001; TOPMed below 0.00001.
gnomAD v4.1: 1 of 1,611,926 alleles (0.000062%); highest among the groups gnomAD compares: Non-Finnish European, 0.000085%; no homozygotes.

Submissions (3):

Ambry Genetics
Classification: Likely pathogenic for Hereditary cancer-predisposing syndrome. Last evaluated: 2023-02-27. Review status: criteria provided, single submitter. Criteria: Ambry Variant Classification Scheme 2023. Collection method: clinical testing. Allele origin: germline.
Comment: The c.321-2A>G intronic variant results from an A to G substitution two nucleotides upstream from coding exon 4 in the NBN gene. This variant is considered to be rare based on population cohorts in the Genome Aggregation Database (gnomAD). This nucleotide position is highly conserved in available vertebrate species. In silico splice site analysis predicts that this alteration will weaken the native splice acceptor site. Alterations that disrupt the canonical splice site are expected to cause aberrant splicing, resulting in an abnormal protein or a transcript that is subject to nonsense-mediated mRNA decay. As such, this alteration is classified as likely pathogenic.

Labcorp Genetics (formerly Invitae), Labcorp
Classification: Likely pathogenic for Microcephaly, normal intelligence and immunodeficiency. Last evaluated: 2022-04-24. Review status: criteria provided, single submitter. Criteria: Invitae Variant Classification Sherloc (09022015). Collection method: clinical testing. Allele origin: germline.
Comment: In summary, the currently available evidence indicates that the variant is pathogenic, but additional data are needed to prove that conclusively. Therefore, this variant has been classified as Likely Pathogenic. Studies have shown that disruption of this splice site results in skipping of exon 4 and activation of cryptic splice sites and introduces a premature termination codon (Invitae). The resulting mRNA is expected to undergo nonsense-mediated decay. ClinVar contains an entry for this variant (Variation ID: 133353). Disruption of this splice site has been observed in individual(s) with uterine smooth muscle tumor (PMID: 26556299). This variant is not present in population databases (gnomAD no frequency). This sequence change affects an acceptor splice site in intron 3 of the NBN gene. RNA analysis indicates that disruption of this splice site induces altered splicing and may result in an absent or disrupted protein product.

ITMI
No classification provided. Condition: AllHighlyPenetrant. Last evaluated: 2013-09-19. Review status: no classification provided. Collection method: reference population. Allele origin: germline. Not counted in ClinVar's aggregate classification.
Comment: Please see associated publication for description of ethnicities

Literature cited by the submitters: PubMed 26556299 (cited by Labcorp Genetics (formerly Invitae), Labcorp); PubMed 24728327 (cited by ITMI).

NM_002485.5(NBN):c.321-2A>G

Gene: NBN (nibrin; minus strand). Cytogenetic location: 8q21.3.
Variant type: single nucleotide variant.
Coding change: c.321-2A>G on transcript NM_002485.5 (MANE Select); the canonical splice acceptor site of the intron before coding-DNA position 321, A replaced by G.
Molecular consequence: splice acceptor variant.
Genome position (GRCh38, 1-based): chr8:89,980,895, T>C on the plus strand (A>G on the coding strand, the complement: NBN is on the minus strand). VCF-style: chr8-89980895-T-C. GRCh37 (hg19) VCF-style: chr8-90993123-T-C.
Other names: c.75-2A>G (NM_001024688.3).
Identifiers: ClinVar variation 133353 (VCV000133353.7), dbSNP rs587777931, ClinGen allele CA156443.